The following is an entry in ClinVar:

ClinVar aggregate classification (germline): Uncertain significance (1 of 4 stars; one submission).

Conditions:
Granulomatous disease, chronic, autosomal recessive, cytochrome b-positive, type 2. Also called: GRANULOMATOUS DISEASE, CHRONIC, AUTOSOMAL RECESSIVE, 2; Chronic granulomatous disease due to deficiency of NCF-2; GRANULOMATOUS DISEASE, CHRONIC, DUE TO NCF2 DEFICIENCY; Chronic Granulomatous Disease, Autosomal Recessive, Cytochrome b-Positive, Type II; CGD, AUTOSOMAL RECESSIVE CYTOCHROME b-POSITIVE, TYPE II. Identifiers: Orphanet 379, MedGen C1856245, MONDO:0009310, OMIM 233710.

Submission:

Labcorp Genetics (formerly Invitae), Labcorp
Classification: Uncertain significance for Granulomatous disease, chronic, autosomal recessive, cytochrome b-positive, type 2. Last evaluated: 2021-04-17. Review status: criteria provided, single submitter. Criteria: Invitae Variant Classification Sherloc (09022015). Collection method: clinical testing. Allele origin: germline.
Comment: In summary, the available evidence is currently insufficient to determine the role of this variant in disease. Therefore, it has been classified as a Variant of Uncertain Significance. Algorithms developed to predict the effect of missense changes on protein structure and function (SIFT, PolyPhen-2, Align-GVGD) all suggest that this variant is likely to be tolerated, but these predictions have not been confirmed by published functional studies and their clinical significance is uncertain. This variant has not been reported in the literature in individuals with NCF2-related conditions. This variant is not present in population databases (ExAC no frequency). This sequence change replaces asparagine with serine at codon 104 of the NCF2 protein (p.Asn104Ser). The asparagine residue is highly conserved and there is a small physicochemical difference between asparagine and serine.

NM_000433.4(NCF2):c.311A>G (p.Asn104Ser)

Gene: NCF2 (neutrophil cytosolic factor 2; minus strand). Cytogenetic location: 1q25.3.
Variant type: single nucleotide variant.
Coding change: c.311A>G on transcript NM_000433.4 (MANE Select); coding-DNA position 311, A replaced by G.
Protein change: p.Asn104Ser; replaces asparagine 104 with serine.
Molecular consequence: missense variant.
Genome position (GRCh38, 1-based): chr1:183,577,654, T>C on the plus strand (A>G on the coding strand, the complement: NCF2 is on the minus strand). VCF-style: chr1-183577654-T-C. GRCh37 (hg19) VCF-style: chr1-183546789-T-C.
Other names: c.311A>G, p.Asn104Ser (NM_001127651.3, NM_001190789.2, NM_001190794.2); short protein forms N104S.
Identifiers: ClinVar variation 1346240 (VCV001346240.8), dbSNP rs2102912424, ClinGen allele CA343679263.